The following is an entry in ClinVar:

NM_020738.4(KIDINS220):c.3438C>T (p.Tyr1146=)

Gene: KIDINS220 (kinase D interacting substrate 220; minus strand). Cytogenetic location: 2p25.1.
Variant type: single nucleotide variant.
Coding change: c.3438C>T on transcript NM_020738.4 (MANE Select); coding-DNA position 3438, C replaced by T.
Protein change: p.Tyr1146=; no amino-acid change (tyrosine 1146 retained).
Molecular consequence: synonymous variant. On other transcripts: non-coding transcript variant (1), intron variant (8).
Genome position (GRCh38, 1-based): chr2:8,747,977, G>A on the plus strand (C>T on the coding strand, the complement: KIDINS220 is on the minus strand). VCF-style: chr2-8747977-G-A. GRCh37 (hg19) VCF-style: chr2-8888107-G-A.
Other names: c.3438C>T (NM_020738.2); c.3441C>T, p.Tyr1147= (NM_001348729.2, NM_001348731.2); c.3438C>T, p.Tyr1146= (NM_001348732.2, NM_001348738.2); c.3414+2135C>T (NM_001348741.2, NM_001348742.2, NM_001348743.2 and 1 more transcripts); c.3417+2135C>T (NM_001348739.2, NM_001348740.2, NM_001348734.2); c.3288+2135C>T (NM_001348736.2).
Identifiers: ClinVar variation 1923715 (VCV001923715.12), dbSNP rs368708454, ClinGen allele CA42339606.

ClinVar aggregate classification (germline): Likely benign. Review status: criteria provided, multiple submitters, no conflicts (2 of 4 stars). 3 submissions from 3 submitters: Likely benign (2). 1 of the submissions does not count toward it. Last evaluated 2025-10-01.

Conditions:
KIDINS220-related disorder. Also called: KIDINS220-related condition.

Allele frequency attached by ClinVar (database versions not stated): gnomAD exomes 0.00001; TOPMed 0.00002; gnomAD 0.00003; ESP Exome Variant Server 0.00008.
gnomAD v4.1: 23 of 1,588,296 alleles (0.0014%); highest among the groups gnomAD compares: Non-Finnish European, 0.0019%; no homozygotes.

Submissions (3):

CeGaT Center for Human Genetics Tuebingen
Classification: Likely benign. Last evaluated: 2025-10-01. Review status: criteria provided, single submitter. Criteria: CeGaT Center For Human Genetics Tuebingen Variant Classification Criteria Version 2. Collection method: clinical testing. Allele origin: germline. Affected: yes. Observed: 1 variant allele.
Comment: KIDINS220: BP4, BP7

Labcorp Genetics (formerly Invitae), Labcorp
Classification: Likely benign. Last evaluated: 2025-08-29. Review status: criteria provided, single submitter. Criteria: Invitae Variant Classification Sherloc (09022015). Collection method: clinical testing. Allele origin: germline.

PreventionGenetics, part of Exact Sciences
Classification: Likely benign for KIDINS220-related condition. Last evaluated: 2024-07-31. Review status: no assertion criteria provided. Collection method: clinical testing. Allele origin: germline. Not counted in ClinVar's aggregate classification.
Comment: This variant is classified as likely benign based on ACMG/AMP sequence variant interpretation guidelines (Richards et al. 2015 PMID: 25741868, with internal and published modifications).